The following is an entry in ClinVar:

ClinVar aggregate classification (germline): Conflicting classifications of pathogenicity. Review status: criteria provided, conflicting classifications (1 of 4 stars). 2 submissions from 2 submitters: Uncertain significance (1); Likely benign (1). Last evaluated 2025-10-10.

Conditions:
KIF1A-related disorder. Also called: KIF1A-related disorders; KIF1A-related condition.

Submissions (2):

PreventionGenetics, part of Exact Sciences
Classification: Likely benign for KIF1A-related condition. Last evaluated: 2025-10-10. Review status: criteria provided, single submitter. Criteria: ACMG Guidelines, 2015. Collection method: clinical testing. Allele origin: germline.
Comment: This variant is classified as likely benign based on ACMG/AMP sequence variant interpretation guidelines (Richards et al. 2015 PMID: 25741868, with internal and published modifications).

CeGaT Center for Human Genetics Tuebingen
Classification: Uncertain significance. Last evaluated: 2025-02-01. Review status: criteria provided, single submitter. Criteria: CeGaT Center For Human Genetics Tuebingen Variant Classification Criteria Version 2. Collection method: clinical testing. Allele origin: germline. Affected: yes. Observed: 1 variant allele.
Comment: KIF1A: PM2

NM_001244008.2(KIF1A):c.2721GGA[13] (p.Glu917_Asp918insGluGlu)

Gene: KIF1A (kinesin family member 1A; minus strand). Cytogenetic location: 2q37.3.
Variant type: Microsatellite.
Coding change: c.2721GGA[13] on transcript NM_001244008.2 (MANE Select); 13 copies in a row of the 3-base unit GGA starting at c.2721; the reference has 11 copies in a row; two copies, 6 bases duplicated.
Protein change: p.Glu917_Asp918insGluGlu.
Molecular consequence: inframe indel (on NM_001244008.1). On other transcripts: intron variant (18).
Genome position (GRCh38, 1-based): chr2:240,757,424-240,757,429, TCCTCC duplicated on the plus strand (GGAGGA on the coding strand, the reverse complement: KIF1A is on the minus strand); duplicating any 6 consecutive bases within chr2:240,757,424-240,757,456 gives the same sequence; the position shown is the placement nearest the transcript's 3' end. VCF-style (leftmost placement, unchanged base first): chr2-240757423-A-ATCCTCC. GRCh37 (hg19) VCF-style: chr2-241696840-A-ATCCTCC.
Other names: c.2721_2723GGA[13], p.Glu917_Asp918insGluGlu (NM_001244008.1); c.2796GGA[13], p.Glu942_Asp943insGluGlu (NM_001379631.1); c.2670GGA[13], p.Glu900_Asp901insGluGlu (NM_001379632.1); c.2694GGA[13], p.Glu908_Asp909insGluGlu (NM_001379633.1, NM_001379642.1, NM_001379645.1); c.2555+904GGA[13] (NM_001379653.1, NM_001379650.1, NM_001379640.1 and 6 more transcripts); c.2657+904GGA[13] (NM_001379635.1, NM_001330290.2, NM_001379646.1 and 1 more transcripts); c.2630+904GGA[13] (NM_001379637.1, NM_001379648.1); c.2582+904GGA[13] (NM_001320705.2, NM_001379638.1, NM_001330289.2); and 1 more.
Identifiers: ClinVar variation 3771001 (VCV003771001.14).